The following is an entry in ClinVar:

ClinVar aggregate classification (germline): Pathogenic (1 of 4 stars; one submission).

Conditions:
Mucopolysaccharidosis, MPS-III-B (MPS3B). Also called: N-ACETYL-ALPHA-D-GLUCOSAMINIDASE DEFICIENCY; NAGLU DEFICIENCY; SANFILIPPO SYNDROME B; MPS III B; Mucopolysaccharidosis type IIIB (Sanfilippo B); MUCOPOLYSACCHARIDOSIS, TYPE IIIB. Identifiers: Orphanet 79270, MedGen C0086648, MONDO:0009656, OMIM 252920.

Submission:

Myriad Genetics, Inc.
Classification: Pathogenic for Mucopolysaccharidosis, MPS-III-B. Last evaluated: 2026-01-26. Review status: criteria provided, single submitter. Criteria: Myriad Autosomal Dominant, Autosomal Recessive and X-Linked Classification Criteria (2023). Collection method: clinical testing. Allele origin: unknown.
Comment: NM_000263.3(NAGLU):c.1999delG(V667Wfs*140) is a readthrough frameshift variant classified as pathogenic in the context of mucopolysaccharidosis type IIIB. V667Wfs*140 has not been observed in cases with relevant disease. Relevant functional assessments of this variant are not available in the literature. V667Wfs*140 has not been observed in referenced population frequency databases. In summary, NM_000263.3(NAGLU):c.1999delG(V667Wfs*140) is a readthrough frameshift variant in a gene where loss of function is a known mechanism of disease and is predicted to disrupt protein function. Please note: this variant was assessed in the context of healthy population screening.

NM_000263.4(NAGLU):c.1999del (p.Val667fs)

Gene: NAGLU (N-acetyl-alpha-glucosaminidase; plus strand). Cytogenetic location: 17q21.2.
Variant type: Deletion.
Coding change: c.1999del on transcript NM_000263.4 (MANE Select); coding-DNA position 1999, one base deleted (G; older notation c.1999delG).
Protein change: p.Val667fs; shifts the reading frame from valine 667.
Molecular consequence: frameshift variant.
Genome position (GRCh38, 1-based): chr17:42,544,005, G deleted; the last of 2 consecutive G bases (chr17:42,544,004-42,544,005); deleting either gives the same sequence. VCF-style (leftmost placement, unchanged base first): chr17-42544003-TG-T. GRCh37 (hg19) VCF-style: chr17-40696021-TG-T.
Other names: short protein forms V667fs.
Identifiers: ClinVar variation 5004422 (VCV005004422.1).